The following is an entry in ClinVar:

ClinVar aggregate classification (germline): Uncertain significance (1 of 4 stars; one submission).

Conditions:
Brugada syndrome 8 (BRGDA8). Identifiers: Orphanet 130, MedGen C2751083, MONDO:0013148, OMIM 613123.

Submission:

Labcorp Genetics (formerly Invitae), Labcorp
Classification: Uncertain significance for Brugada syndrome 8. Last evaluated: 2025-04-23. Review status: criteria provided, single submitter. Criteria: Invitae Variant Classification Sherloc (09022015). Collection method: clinical testing. Allele origin: germline.
Comment: This sequence change replaces isoleucine, which is neutral and non-polar, with valine, which is neutral and non-polar, at codon 742 of the HCN4 protein (p.Ile742Val). This variant is not present in population databases (gnomAD no frequency). This variant has not been reported in the literature in individuals affected with HCN4-related conditions. ClinVar contains an entry for this variant (Variation ID: 3607773). Invitae Evidence Modeling of protein sequence and biophysical properties (such as structural, functional, and spatial information, amino acid conservation, physicochemical variation, residue mobility, and thermodynamic stability) indicates that this missense variant is not expected to disrupt HCN4 protein function with a negative predictive value of 95%. In summary, the available evidence is currently insufficient to determine the role of this variant in disease. Therefore, it has been classified as a Variant of Uncertain Significance.

NM_005477.3(HCN4):c.2224A>G (p.Ile742Val)

Gene: HCN4 (hyperpolarization activated cyclic nucleotide gated potassium channel 4; minus strand). Cytogenetic location: 15q24.1.
Variant type: single nucleotide variant.
Coding change: c.2224A>G on transcript NM_005477.3 (MANE Select); coding-DNA position 2224, A replaced by G.
Protein change: p.Ile742Val; replaces isoleucine 742 with valine.
Molecular consequence: missense variant.
Genome position (GRCh38, 1-based): chr15:73,323,869, T>C on the plus strand (A>G on the coding strand, the complement: HCN4 is on the minus strand). VCF-style: chr15-73323869-T-C. GRCh37 (hg19) VCF-style: chr15-73616210-T-C.
Other names: short protein forms I742V.
Identifiers: ClinVar variation 3607773 (VCV003607773.2).
Genomic context (GRCh38, chr15:73,323,869, plus strand): 5'-CAGCCTGGACGCGGTGCGCGCAGTGGGCCATCTCCCGGTCATGCTGCACAATCTGCTGGA[T>C]GATCTCATTCTCCTGGTAGTTGAAGACGCCGGAGTTGAGGTCGTGCTGGACTTTGTGGAG-3'
Protein context (NP_005468.1, residues 732-752): GVFNYQENEI[Ile742Val]QQIVQHDREM